The following is an entry in ClinVar:

ClinVar aggregate classification (germline): Uncertain significance (1 of 4 stars; one submission).

Submission:

GeneDx
Classification: Uncertain significance. Last evaluated: 2023-07-26. Review status: criteria provided, single submitter. Criteria: GeneDx Variant Classification Process June 2021. Collection method: clinical testing. Allele origin: germline. Affected: yes.
Comment: Not observed at significant frequency in large population cohorts (gnomAD); In silico analysis supports that this missense variant does not alter protein structure/function; Has not been previously published as pathogenic or benign to our knowledge

NM_014865.4(NCAPD2):c.1232G>C (p.Gly411Ala)

Gene: NCAPD2 (non-SMC condensin I complex subunit D2; plus strand). Cytogenetic location: 12p13.31.
Variant type: single nucleotide variant.
Coding change: c.1232G>C on transcript NM_014865.4 (MANE Select); coding-DNA position 1232, G replaced by C.
Protein change: p.Gly411Ala; replaces glycine 411 with alanine.
Molecular consequence: missense variant.
Genome position (GRCh38, 1-based): chr12:6,517,411, G>C. VCF-style: chr12-6517411-G-C. GRCh37 (hg19) VCF-style: chr12-6626577-G-C.
Other names: short protein forms G411A.
Identifiers: ClinVar variation 3361220 (VCV003361220.1).